The following is an entry in ClinVar:

ClinVar aggregate classification (germline): Pathogenic. Review status: criteria provided, multiple submitters, no conflicts (2 of 4 stars). 2 submissions from 2 submitters: Pathogenic (2). Last evaluated 2025-10-19.

Conditions:
PAX2-Related Disorder. Also called: PAX2-related disorders. Identifiers: MedGen CN381309.
Focal segmental glomerulosclerosis 7 (FSGS7). Identifiers: Orphanet 656, MedGen C4014925, MONDO:0014451, OMIM 616002.
Renal coloboma syndrome (PAPRS). Also called: PAPILLORENAL SYNDROME; PAPILLORENAL SYNDROME WITH MILD OCULAR ABNORMALITIES; CONGENITAL ANOMALIES OF THE KIDNEY AND URINARY TRACT WITH OR WITHOUT OCULAR ABNORMALITIES; CAKUT WITH OR WITHOUT OCULAR ABNORMALITIES; COLOBOMA OF OPTIC NERVE WITH RENAL DISEASE; OPTIC COLOBOMA, VESICOURETERAL REFLUX, AND RENAL ANOMALIES. Identifiers: Orphanet 1475, MedGen C1852759, MONDO:0007352, OMIM 120330.

Submissions (2):

PreventionGenetics, part of Exact Sciences
Classification: Pathogenic for PAX2-related condition. Last evaluated: 2025-10-19. Review status: criteria provided, single submitter. Criteria: ACMG Guidelines, 2015. Collection method: clinical testing. Allele origin: germline.
Comment: The PAX2 c.43+1G>A variant is predicted to disrupt the GT donor site and interfere with normal splicing. This variant was reported to be de novo in an individual with bilateral renal hypodysplasia (Supplemental Table 1, Liu et al. 2022. PubMed ID: 36549658). This variant has not been reported in a large population database (gnomAD), indicating this variant is rare. An alternate variant occurring at this same nucleotide (c.43+1G>C) has been reported to be de novo in an individual with bilateral renal hypoplasia (Table S1, Bower et al. 2012. PubMed ID: 22213154). This variant is interpreted as pathogenic.

Labcorp Genetics (formerly Invitae), Labcorp
Classification: Pathogenic for Renal coloboma syndrome; Focal segmental glomerulosclerosis 7. Last evaluated: 2025-06-12. Review status: criteria provided, single submitter. Criteria: Invitae Variant Classification Sherloc (09022015). Collection method: clinical testing. Allele origin: germline.
Comment: This sequence change affects a donor splice site in intron 1 of the PAX2 gene. It is expected to disrupt RNA splicing. Variants that disrupt the donor or acceptor splice site typically lead to a loss of protein function (PMID: 16199547), and loss-of-function variants in PAX2 are known to be pathogenic (PMID: 11461952, 24676634, 35444690). This variant is not present in population databases (gnomAD no frequency). Disruption of this splice site has been observed in individual(s) with PAX2-related conditions (internal data). In at least one individual the variant was observed to be de novo. ClinVar contains an entry for this variant (Variation ID: 2117050). Algorithms developed to predict the effect of sequence changes on RNA splicing suggest that this variant may disrupt the consensus splice site. For these reasons, this variant has been classified as Pathogenic.

Literature cited by the submitters: PubMed 16199547 (cited by Labcorp Genetics (formerly Invitae), Labcorp); PubMed 11461952 (cited by Labcorp Genetics (formerly Invitae), Labcorp); PubMed 24676634 (cited by Labcorp Genetics (formerly Invitae), Labcorp); PubMed 35444690 (cited by Labcorp Genetics (formerly Invitae), Labcorp).

NM_000278.5(PAX2):c.43+1G>A

Gene: PAX2 (paired box 2; plus strand). Cytogenetic location: 10q24.31.
Variant type: single nucleotide variant.
Coding change: c.43+1G>A on transcript NM_000278.5 (MANE Select); the canonical splice donor site of the intron after coding-DNA position 43, G replaced by A.
Molecular consequence: splice donor variant.
Genome position (GRCh38, 1-based): chr10:100,746,304, G>A. VCF-style: chr10-100746304-G-A. GRCh37 (hg19) VCF-style: chr10-102506061-G-A.
Other names: c.136+1G>A (NM_001304569.2, NM_001374303.1); c.43+1G>A (NM_003987.5, NM_003990.5, NM_003988.5 and 2 more transcripts).
Identifiers: ClinVar variation 2117050 (VCV002117050.5), dbSNP rs1845169599, ClinGen allele CA378257278.
Genomic context (GRCh38, chr10:100,746,304, plus strand): 5'-CGCTCCTCTGCCTCCCCATGGATATGCACTGCAAAGCAGACCCCTTCTCCGCGATGCACC[G>A]TGAGTACCGGCGCCCGGCTCCTGTCCCGGCTCGGGGCTCTCCGTCCCAACCCTGTCCAGT-3'